The following is an entry in ClinVar:

ClinVar aggregate classification (germline): Likely benign. Review status: criteria provided, multiple submitters, no conflicts (2 of 4 stars). 5 submissions from 5 submitters: Likely benign (4). 1 of the submissions does not count toward it. Last evaluated 2025-11-01.

Conditions:
Parkinson Disease, Dominant/Recessive.
Parkinson disease, late-onset (PD). Also called: PARKINSON DISEASE, LATE-ONSET, SUSCEPTIBILITY TO; Susceptibility to Parkinson's Disease; Hereditary late onset Parkinson disease. Identifiers: Orphanet 411602, MedGen C3160718, MONDO:0008199, OMIM 168600.

Allele frequency attached by ClinVar (database versions not stated): 1000 Genomes Project 0.00120; 1000 Genomes Project 30x 0.00141; TOPMed 0.00280; gnomAD exomes 0.00334; ExAC 0.00363.
gnomAD v4.1: 7,118 of 1,614,158 alleles (0.44%); highest among the groups gnomAD compares: Non-Finnish European, 0.53%; 22 homozygotes.

Submissions (5):

CeGaT Center for Human Genetics Tuebingen
Classification: Likely benign. Last evaluated: 2025-11-01. Review status: criteria provided, single submitter. Criteria: CeGaT Center For Human Genetics Tuebingen Variant Classification Criteria Version 2. Collection method: clinical testing. Allele origin: germline. Affected: yes. Observed: 6 variant alleles.
Comment: MGC32805: BS2; SNCAIP: BS2

Labcorp Genetics (formerly Invitae), Labcorp
Classification: Likely benign. Last evaluated: 2019-12-31. Review status: criteria provided, single submitter. Criteria: Invitae Variant Classification Sherloc (09022015). Collection method: clinical testing. Allele origin: germline.

Illumina Laboratory Services, Illumina
Classification: Likely benign for Parkinson Disease, Dominant/Recessive. Last evaluated: 2017-04-27. Review status: criteria provided, single submitter. Criteria: ICSL Variant Classification Criteria 13 December 2019. Collection method: clinical testing. Allele origin: germline.
Comment: This variant was observed as part of a predisposition screen in an ostensibly healthy population. A literature search was performed for the gene, cDNA change, and amino acid change (where applicable). Publications were found based on this search. The evidence from the literature, in combination with allele frequency data from public databases where available, was sufficient to determine this variant is unlikely to cause disease. Therefore, this variant is classified as likely benign.

Breakthrough Genomics
Classification: Likely benign. Review status: criteria provided, single submitter. Criteria: ACMG Guidelines, 2015. Collection method: not provided. Allele origin: germline. Inheritance: Unknown mechanism. Affected: yes.

OMIM
Classification: Uncertain significance for RECLASSIFIED - VARIANT OF UNKNOWN SIGNIFICANCE. Last evaluated: 2008-03-21. Review status: no assertion criteria provided. Collection method: literature only. Allele origin: germline. Not counted in ClinVar's aggregate classification.

Literature cited by the submitters: PubMed 18366718 (cited by Illumina Laboratory Services, Illumina and OMIM); PubMed 12761037 (cited by Illumina Laboratory Services, Illumina and OMIM).

NM_005460.4(SNCAIP):c.1861C>T (p.Arg621Cys)

Genes: SNCAIP (synuclein alpha interacting protein; plus strand), SNCAIP-AS3 (SNCAIP antisense RNA 3; minus strand). Cytogenetic location: 5q23.2.
Variant type: single nucleotide variant.
Coding change: c.1861C>T on transcript NM_005460.4 (MANE Select); coding-DNA position 1861, C replaced by T.
Protein change: p.Arg621Cys; replaces arginine 621 with cysteine.
Molecular consequence: missense variant. On other transcripts: non-coding transcript variant (2).
Genome position (GRCh38, 1-based): chr5:122,450,708, C>T. VCF-style: chr5-122450708-C-T. GRCh37 (hg19) VCF-style: chr5-121786403-C-T.
Other names: c.763C>T, p.Arg255Cys (NM_001242935.3, NM_001308107.2); c.2002C>T, p.Arg668Cys (NM_001308100.2); c.1681C>T, p.Arg561Cys (NM_001308105.1); c.757C>T, p.Arg253Cys (NM_001308106.1); c.943C>T, p.Arg315Cys (NM_001308108.1); c.649C>T, p.Arg217Cys (NM_001308109.2); short protein forms R621C, R561C, R253C, R255C, R217C, R315C, R668C.
Identifiers: ClinVar variation 6078 (VCV000006078.36), dbSNP rs28937592, ClinGen allele CA253762.